The following is an entry in ClinVar:

ClinVar aggregate classification (germline): Uncertain significance (1 of 4 stars; one submission).

Conditions:
Inborn genetic diseases. Identifiers: MedGen C0950123, MeSH D030342.

Submission:

Ambry Genetics
Classification: Uncertain significance for Inborn genetic diseases. Last evaluated: 2026-03-14. Review status: criteria provided, single submitter. Criteria: Ambry Variant Classification Scheme 2023. Collection method: clinical testing. Allele origin: germline.
Comment: The p.K921E variant (also known as c.2761A>G), located in coding exon 28 of the FANCA gene, results from an A to G substitution at nucleotide position 2761. The lysine at codon 921 is replaced by glutamic acid, an amino acid with similar properties. This amino acid position is conserved. In addition, this alteration is predicted to be tolerated by in silico analysis. Based on the available evidence, the clinical significance of this variant remains unclear.

NM_000135.4(FANCA):c.2761A>G (p.Lys921Glu)

Gene: FANCA (FA complementation group A; minus strand). Cytogenetic location: 16q24.3.
Variant type: single nucleotide variant.
Coding change: c.2761A>G on transcript NM_000135.4 (MANE Select); coding-DNA position 2761, A replaced by G.
Protein change: p.Lys921Glu; replaces lysine 921 with glutamic acid.
Molecular consequence: missense variant.
Genome position (GRCh38, 1-based): chr16:89,764,907, T>C on the plus strand (A>G on the coding strand, the complement: FANCA is on the minus strand). VCF-style: chr16-89764907-T-C. GRCh37 (hg19) VCF-style: chr16-89831315-T-C.
Other names: c.2761A>G, p.Lys921Glu (NM_001286167.3); short protein forms K921E.
Identifiers: ClinVar variation 4826935 (VCV004826935.1).